The following is an entry in ClinVar:

ClinVar aggregate classification (germline): Likely benign. Review status: criteria provided, single submitter (1 of 4 stars). 2 submissions from 2 submitters: Likely benign (1). 1 of the submissions does not count toward it. Last evaluated 2026-01-22.

Conditions:
PCNT-related disorder. Also called: PCNT-related condition.

Allele frequency attached by ClinVar (database versions not stated): gnomAD 0.00001; TOPMed 0.00003; ExAC 0.00004.
gnomAD v4.1: 17 of 1,614,062 alleles (0.0011%); highest among the groups gnomAD compares: Admixed American, 0.028%; no homozygotes.

Submissions (2):

Labcorp Genetics (formerly Invitae), Labcorp
Classification: Likely benign. Last evaluated: 2026-01-22. Review status: criteria provided, single submitter. Criteria: Invitae Variant Classification Sherloc (09022015). Collection method: clinical testing. Allele origin: germline.

PreventionGenetics, part of Exact Sciences
Classification: Likely benign for PCNT-related condition. Last evaluated: 2022-09-08. Review status: no assertion criteria provided. Collection method: clinical testing. Allele origin: germline. Not counted in ClinVar's aggregate classification.
Comment: This variant is classified as likely benign based on ACMG/AMP sequence variant interpretation guidelines (Richards et al. 2015 PMID: 25741868, with internal and published modifications).

NM_006031.6(PCNT):c.5280G>A (p.Val1760=)

Gene: PCNT (pericentrin; plus strand). Cytogenetic location: 21q22.3.
Variant type: single nucleotide variant.
Coding change: c.5280G>A on transcript NM_006031.6 (MANE Select); coding-DNA position 5280, G replaced by A.
Protein change: p.Val1760=; no amino-acid change (valine 1760 retained).
Molecular consequence: synonymous variant.
Genome position (GRCh38, 1-based): chr21:46,411,353, G>A. VCF-style: chr21-46411353-G-A. GRCh37 (hg19) VCF-style: chr21-47831267-G-A.
Other names: c.5280G>A (NM_006031.5); c.4926G>A, p.Val1642= (NM_001315529.2).
Identifiers: ClinVar variation 2085946 (VCV002085946.6), dbSNP rs775779788, ClinGen allele CA10079933.